The following is an entry in ClinVar:

NM_001105206.3(LAMA4):c.1097A>G (p.Lys366Arg)

Gene: LAMA4 (laminin subunit alpha 4; minus strand). Cytogenetic location: 6q21.
Variant type: single nucleotide variant.
Coding change: c.1097A>G on transcript NM_001105206.3 (MANE Select); coding-DNA position 1097, A replaced by G.
Protein change: p.Lys366Arg; replaces lysine 366 with arginine.
Molecular consequence: missense variant.
Genome position (GRCh38, 1-based): chr6:112,178,213, T>C on the plus strand (A>G on the coding strand, the complement: LAMA4 is on the minus strand). VCF-style: chr6-112178213-T-C. GRCh37 (hg19) VCF-style: chr6-112499415-T-C.
Other names: c.1076A>G, p.Lys359Arg (NM_001105207.3, NM_002290.5); short protein forms K366R, K359R.
Identifiers: ClinVar variation 4745372 (VCV004745372.2).

ClinVar aggregate classification (germline): Uncertain significance. Review status: criteria provided, multiple submitters, no conflicts (2 of 4 stars). 2 submissions from 2 submitters: Uncertain significance (2). Last evaluated 2026-09-12.

Conditions:
Cardiovascular phenotype. Identifiers: MedGen CN230736.
Dilated cardiomyopathy 1JJ (CMD1JJ). Identifiers: Orphanet 154, MedGen C3808935, MONDO:0014095, OMIM 615235.

gnomAD v4.1: 3 of 1,613,578 alleles (0.00019%); highest among the groups gnomAD compares: Non-Finnish European, 0.00017%; no homozygotes.

Submissions (2):

Ambry Genetics
Classification: Uncertain significance for Cardiovascular phenotype. Last evaluated: 2026-09-12. Review status: criteria provided, single submitter. Criteria: Ambry Variant Classification Scheme 2023. Collection method: clinical testing. Allele origin: germline.
Comment: The p.K359R variant (also known as c.1076A>G), located in coding exon 9 of the LAMA4 gene, results from an A to G substitution at nucleotide position 1076. The lysine at codon 359 is replaced by arginine, an amino acid with highly similar properties. This amino acid position is conserved. In addition, this alteration is predicted to be tolerated by in silico analysis. Based on the available evidence, the clinical significance of this variant remains unclear.

Labcorp Genetics (formerly Invitae), Labcorp
Classification: Uncertain significance for Dilated cardiomyopathy 1JJ. Last evaluated: 2026-01-13. Review status: criteria provided, single submitter. Criteria: Invitae Variant Classification Sherloc (09022015). Collection method: clinical testing. Allele origin: germline.
Comment: This sequence change replaces lysine, which is basic and polar, with arginine, which is basic and polar, at codon 359 of the LAMA4 protein (p.Lys359Arg). This variant is present in population databases (no rsID available, gnomAD 0.0009%). This variant has not been reported in the literature in individuals affected with LAMA4-related conditions. Invitae Evidence Modeling of protein sequence and biophysical properties (such as structural, functional, and spatial information, amino acid conservation, physicochemical variation, residue mobility, and thermodynamic stability) indicates that this missense variant is not expected to disrupt LAMA4 protein function with a negative predictive value of 80%. In summary, the available evidence is currently insufficient to determine the role of this variant in disease. Therefore, it has been classified as a Variant of Uncertain Significance.